The following is an entry in ClinVar:

ClinVar aggregate classification (germline): Conflicting classifications of pathogenicity. Review status: criteria provided, conflicting classifications (1 of 4 stars). 7 submissions from 7 submitters: Uncertain significance (2); Likely benign (3). 2 of the submissions do not count toward it. Last evaluated 2026-02-03.

Conditions:
VPS13B-related disorder. Also called: VPS13B-related condition.
Cohen syndrome (COH1). Also called: Cutis verticis gyrata, retinitis pigmentosa, and sensorineural deafness; PEPPER SYNDROME. Identifiers: Orphanet 193, MedGen C0265223, MONDO:0008999, OMIM 216550.
Inborn genetic diseases. Identifiers: MedGen C0950123, MeSH D030342.

Allele frequency attached by ClinVar (database versions not stated): ExAC 0.00008; gnomAD exomes 0.00009 and 0.00020; ESP Exome Variant Server 0.00023; gnomAD 0.00031 and 0.00032; TOPMed 0.00033; 1000 Genomes Project 0.00060; 1000 Genomes Project 30x 0.00078.
gnomAD v4.1: 173 of 1,613,238 alleles (0.011%); highest among the groups gnomAD compares: Admixed American, 0.14%; 2 homozygotes.

Submissions (7):

Labcorp Genetics (formerly Invitae), Labcorp
Classification: Likely benign for Cohen syndrome. Last evaluated: 2026-02-03. Review status: criteria provided, single submitter. Criteria: Invitae Variant Classification Sherloc (09022015). Collection method: clinical testing. Allele origin: germline.

Blueprint Genetics
Classification: Likely benign. Last evaluated: 2024-10-10. Review status: criteria provided, single submitter. Criteria: ACMG Guidelines, 2015. Collection method: clinical testing. Allele origin: germline.

GeneDx
Classification: Uncertain significance. Last evaluated: 2021-04-08. Review status: criteria provided, single submitter. Criteria: GeneDx Variant Classification Process June 2021. Collection method: clinical testing. Allele origin: germline. Affected: yes.
Comment: In silico analysis, which includes splice predictors and evolutionary conservation, suggests this variant may impact gene splicing. In the absence of RNA/functional studies, the actual effect of this sequence change is unknown.; Has not been previously published as pathogenic or benign to our knowledge

Illumina Laboratory Services, Illumina
Classification: Uncertain significance for Cohen syndrome. Last evaluated: 2018-01-12. Review status: criteria provided, single submitter. Criteria: ICSL Variant Classification Criteria 13 December 2019. Collection method: clinical testing. Allele origin: germline.

Ambry Genetics
Classification: Likely benign for Inborn genetic diseases. Last evaluated: 2018-01-11. Review status: criteria provided, single submitter. Criteria: Ambry Variant Classification Scheme 2023. Collection method: clinical testing. Allele origin: germline.

Natera, Inc.
Classification: Likely benign for Cohen syndrome. Last evaluated: 2020-09-16. Review status: no assertion criteria provided. Collection method: clinical testing. Allele origin: germline. Not counted in ClinVar's aggregate classification.

PreventionGenetics, part of Exact Sciences
Classification: Likely benign for VPS13B-related condition. Last evaluated: 2019-07-10. Review status: no assertion criteria provided. Collection method: clinical testing. Allele origin: germline. Not counted in ClinVar's aggregate classification.
Comment: This variant is classified as likely benign based on ACMG/AMP sequence variant interpretation guidelines (Richards et al. 2015 PMID: 25741868, with internal and published modifications).

NM_152564.5(VPS13B):c.885C>T (p.Gly295=)

Gene: VPS13B (vacuolar protein sorting 13 homolog B; plus strand). Cytogenetic location: 8q22.2.
Variant type: single nucleotide variant.
Coding change: c.885C>T on transcript NM_152564.5 (MANE Select); coding-DNA position 885, C replaced by T.
Protein change: p.Gly295=; no amino-acid change (glycine 295 retained).
Molecular consequence: synonymous variant. On other transcripts: non-coding transcript variant (1).
Genome position (GRCh38, 1-based): chr8:99,115,822, C>T. VCF-style: chr8-99115822-C-T. GRCh37 (hg19) VCF-style: chr8-100128050-C-T.
Other names: c.885C>T, p.Gly295= (NM_015243.3, NM_017890.5, NM_181661.3); c.885C>T (NM_152564.4).
Identifiers: ClinVar variation 707052 (VCV000707052.23), dbSNP rs143112539, ClinGen allele CA4822494.